The following is an entry in ClinVar:

NM_002878.4(RAD51D):c.759A>G (p.Arg253=)

Genes: RAD51L3-RFFL (RAD51L3-RFFL readthrough; minus strand), RAD51D (RAD51 paralog D; minus strand). Cytogenetic location: 17q12.
Variant type: single nucleotide variant.
Coding change: c.759A>G on transcript NM_002878.4 (MANE Select); coding-DNA position 759, A replaced by G.
Protein change: p.Arg253=; no amino-acid change (arginine 253 retained).
Molecular consequence: synonymous variant. On other transcripts: non-coding transcript variant (3).
Genome position (GRCh38, 1-based): chr17:35,101,345, T>C on the plus strand (A>G on the coding strand, the complement: RAD51D is on the minus strand). VCF-style: chr17-35101345-T-C. GRCh37 (hg19) VCF-style: chr17-33428364-T-C.
Other names: c.819A>G, p.Arg273= (NM_001142571.2); c.423A>G, p.Arg141= (NM_133629.3).
Identifiers: ClinVar variation 3904632 (VCV003904632.1).
Genomic context (GRCh38, chr17:35,101,345, plus strand): 5'-GCTGGGCACAAAGCTCCAGGAGCGTCCGAGGGCAGGTTTGAGCCTCCCGCTGTCCCTGTC[T>C]CGAGTTATGTGGTTGGTCACCTGCAGCAGAAACAGACTTACAGATCCATAATGCTAGTAT-3'
Protein context (NP_002869.3, residues 243-263): MAVVVTNHIT[Arg253=]DRDSGRLKPA

ClinVar aggregate classification (germline): Benign (1 of 4 stars; one submission).

Conditions:
Breast-ovarian cancer, familial, susceptibility to, 4. Identifiers: Orphanet 145, MedGen C3280345, MONDO:0013669, OMIM 614291.

Submission:

Myriad Genetics, Inc.
Classification: Benign for Breast-ovarian cancer, familial, susceptibility to, 4. Last evaluated: 2025-02-24. Review status: criteria provided, single submitter. Criteria: Myriad Autosomal Dominant, Autosomal Recessive and X-Linked Classification Criteria (2023). Collection method: clinical testing. Allele origin: unknown.
Comment: This variant is considered benign. This variant is a silent/synonymous amino acid change and it is not expected to impact splicing.